The following is an entry in ClinVar:

ClinVar aggregate classification (germline): Pathogenic (1 of 4 stars; one submission).

Conditions:
Familial adenomatous polyposis 1 (FAP1). Also called: POLYPOSIS, ADENOMATOUS INTESTINAL; FAMILIAL ADENOMATOUS POLYPOSIS 1, ATTENUATED. Identifiers: MedGen C2713442, MONDO:0021056, OMIM 175100. Disease mechanism: loss of function.

Submission:

Labcorp Genetics (formerly Invitae), Labcorp
Classification: Pathogenic for Familial adenomatous polyposis 1. Last evaluated: 2021-02-11. Review status: criteria provided, single submitter. Criteria: Invitae Variant Classification Sherloc (09022015). Collection method: clinical testing. Allele origin: germline.
Comment: This variant has not been reported in the literature in individuals with APC-related conditions. A different truncation (p.Tyr2645Lysfs*14) that lies downstream of this variant has been determined to be pathogenic (PMID: 9824584, 1316610, 27081525, 8381579, 22135120, Invitae). This suggests that deletion of this region of the APC protein is causative of disease. For these reasons, this variant has been classified as Pathogenic. This variant is expected to disrupt the EB1 and HDLG binding sites, which mediate interactions with the cytoskeleton (PMID: 15311282, 17293347). While functional studies have not been performed to directly test the effect on APC protein function, this suggests that disruption of the C-terminal portion of the protein is functionally important. This variant is not present in population databases (ExAC no frequency). This sequence change creates a premature translational stop signal (p.Asn1113Lysfs*6) in the APC gene. While this is not anticipated to result in nonsense mediated decay, it is expected to disrupt the last 1731 amino acid(s) of the APC protein.

Literature cited by the submitters: PubMed 9824584; PubMed 1316610; PubMed 27081525; PubMed 8381579; PubMed 22135120; PubMed 15311282; PubMed 17293347.

NM_000038.6(APC):c.3338dup (p.Asn1113fs)

Gene: APC (APC regulator of Wnt signaling pathway; plus strand). Cytogenetic location: 5q22.2.
Variant type: Duplication.
Coding change: c.3338dup on transcript NM_000038.6 (MANE Select); coding-DNA position 3338, one base duplicated (A; older notation c.3338dupA).
Protein change: p.Asn1113fs; shifts the reading frame from asparagine 1113.
Molecular consequence: frameshift variant.
Genome position (GRCh38, 1-based): chr5:112,838,932, A duplicated; the last of 3 consecutive A bases (chr5:112,838,930-112,838,932); duplicating any one gives the same sequence. VCF-style (leftmost placement, unchanged base first): chr5-112838929-C-CA. GRCh37 (hg19) VCF-style: chr5-112174626-C-CA.
Other names: c.3338dup, p.Asn1113fs (NM_001127510.3, NM_001354895.2); c.3284dup, p.Asn1095fs (NM_001127511.3); c.3392dup, p.Asn1131fs (NM_001354896.2); c.3368dup, p.Asn1123fs (NM_001354897.2); c.3263dup, p.Asn1088fs (NM_001354898.2); c.3254dup, p.Asn1085fs (NM_001354899.2); c.3215dup, p.Asn1072fs (NM_001354900.2); c.3161dup, p.Asn1054fs (NM_001354901.2); and 5 more; short protein forms N1012fs, N1054fs, N1072fs, N1095fs, N1131fs, N1113fs, N1123fs, N1022fs.
Identifiers: ClinVar variation 1456554 (VCV001456554.8), dbSNP rs2149889821, ClinGen allele CA2573138678.